The following is an entry in ClinVar:

ClinVar aggregate classification (germline): Likely pathogenic. Review status: criteria provided, multiple submitters, no conflicts (2 of 4 stars). 2 submissions from 2 submitters: Likely pathogenic (2). Last evaluated 2025-03-14.

Conditions:
Autosomal recessive nonsyndromic hearing loss 66 (DFNB66). Also called: Deafness, autosomal recessive 66. Identifiers: Orphanet 90636, MedGen C1857750, MONDO:0012442, OMIM 610212.
DCDC2-related disorder. Also called: DCDC2-related condition.

Allele frequency attached by ClinVar (database versions not stated): gnomAD 0.00003.
gnomAD v4.1: 5 of 1,613,974 alleles (0.00031%); highest among the groups gnomAD compares: Admixed American, 0.0083%; no homozygotes.

Submissions (2):

PreventionGenetics, part of Exact Sciences
Classification: Likely pathogenic for DCDC2-related condition. Last evaluated: 2025-03-14. Review status: criteria provided, single submitter. Criteria: ACMG Guidelines, 2015. Collection method: clinical testing. Allele origin: germline.
Comment: The DCDC2 c.829A>T variant is predicted to result in premature protein termination (p.Lys277*). To our knowledge, this variant has not been reported in the literature. This variant is reported in 0.0085% of alleles in individuals of Latino descent in gnomAD. Nonsense variants in DCDC2 are expected to be pathogenic. This variant is interpreted as likely pathogenic.

Mendelics
Classification: Likely pathogenic for Autosomal recessive nonsyndromic hearing loss 66. Last evaluated: 2019-05-28. Review status: criteria provided, single submitter. Criteria: Mendelics Assertion Criteria 2017. Collection method: clinical testing. Allele origin: unknown.

NM_016356.5(DCDC2):c.829A>T (p.Lys277Ter)

Gene: DCDC2 (doublecortin domain containing 2; minus strand). Cytogenetic location: 6p22.3.
Variant type: single nucleotide variant.
Coding change: c.829A>T on transcript NM_016356.5 (MANE Select); coding-DNA position 829, A replaced by T.
Protein change: p.Lys277Ter; replaces lysine 277 with a stop codon.
Molecular consequence: nonsense.
Genome position (GRCh38, 1-based): chr6:24,278,142, T>A on the plus strand (A>T on the coding strand, the complement: DCDC2 is on the minus strand). VCF-style: chr6-24278142-T-A. GRCh37 (hg19) VCF-style: chr6-24278370-T-A.
Other names: c.829A>T, p.Lys277Ter (NM_001195610.2); c.829A>T (NM_016356.4); short protein forms K277*.
Identifiers: ClinVar variation 802191 (VCV000802191.2), dbSNP rs775868003, ClinGen allele CA3654633.